The following is an entry in ClinVar:

ClinVar aggregate classification (germline): Benign (1 of 4 stars; one submission).

gnomAD v4.1: 18,225 of 1,611,296 alleles (1.1%); highest among the groups gnomAD compares: Middle Eastern, 2.1%; 134 homozygotes.

Submission:

CeGaT Center for Human Genetics Tuebingen
Classification: Benign. Last evaluated: 2026-01-01. Review status: criteria provided, single submitter. Criteria: CeGaT Center For Human Genetics Tuebingen Variant Classification Criteria Version 2. Collection method: clinical testing. Allele origin: germline. Affected: yes. Observed: 1 variant allele.
Comment: TRIM36: BP4, BS1, BS2

NM_001300759.2(TRIM36):c.1247A>G (p.Lys416Arg)

Gene: TRIM36 (tripartite motif containing 36; minus strand). Cytogenetic location: 5q22.3.
Variant type: single nucleotide variant.
Coding change: c.1247A>G on transcript NM_001300759.2 (MANE Select); coding-DNA position 1247, A replaced by G.
Protein change: p.Lys416Arg; replaces lysine 416 with arginine.
Molecular consequence: missense variant.
Genome position (GRCh38, 1-based): chr5:115,134,111, T>C on the plus strand (A>G on the coding strand, the complement: TRIM36 is on the minus strand). VCF-style: chr5-115134111-T-C. GRCh37 (hg19) VCF-style: chr5-114469808-T-C.
Other names: c.818A>G, p.Lys273Arg (NM_001300752.2); c.1283A>G, p.Lys428Arg (NM_018700.4); short protein forms K273R, K416R, K428R.
Identifiers: ClinVar variation 4820746 (VCV004820746.4).